The following is an entry in ClinVar:

ClinVar aggregate classification (germline): Uncertain significance (1 of 4 stars; one submission).

Conditions:
Paget disease of bone 2, early-onset (PDB2). Also called: Paget disease of bone 2. Identifiers: MedGen C4085251, MONDO:0011183, OMIM 602080.
Frontotemporal dementia and/or amyotrophic lateral sclerosis 1 (FTDALS1). Also called: Frontotemporal dementia with motor neuron disease 1; C9orf72 Frontotemporal Dementia and/or Amyotrophic Lateral Sclerosis. Identifiers: Orphanet 275872, MedGen C5779877, MONDO:0007105, OMIM 105550.

Allele frequency attached by ClinVar (database versions not stated): ExAC 0.00001; gnomAD 0.00003; TOPMed 0.00004.
gnomAD v4.1: 43 of 1,613,986 alleles (0.0027%); highest among the groups gnomAD compares: African/African-American, 0.004%; no homozygotes.

Submission:

Labcorp Genetics (formerly Invitae), Labcorp
Classification: Uncertain significance for Paget disease of bone 2, early-onset; Frontotemporal dementia and/or amyotrophic lateral sclerosis 1. Last evaluated: 2026-01-06. Review status: criteria provided, single submitter. Criteria: Invitae Variant Classification Sherloc (09022015). Collection method: clinical testing. Allele origin: germline.
Comment: This sequence change replaces valine, which is neutral and non-polar, with isoleucine, which is neutral and non-polar, at codon 240 of the SQSTM1 protein (p.Val240Ile). This variant is present in population databases (rs768757828, gnomAD 0.006%). This variant has not been reported in the literature in individuals affected with SQSTM1-related conditions. ClinVar contains an entry for this variant (Variation ID: 2048666). Invitae Evidence Modeling of protein sequence and biophysical properties (such as structural, functional, and spatial information, amino acid conservation, physicochemical variation, residue mobility, and thermodynamic stability) indicates that this missense variant is not expected to disrupt SQSTM1 protein function with a negative predictive value of 80%. In summary, the available evidence is currently insufficient to determine the role of this variant in disease. Therefore, it has been classified as a Variant of Uncertain Significance.

NM_003900.5(SQSTM1):c.718G>A (p.Val240Ile)

Gene: SQSTM1 (sequestosome 1; plus strand). Cytogenetic location: 5q35.3.
Variant type: single nucleotide variant.
Coding change: c.718G>A on transcript NM_003900.5 (MANE Select); coding-DNA position 718, G replaced by A.
Protein change: p.Val240Ile; replaces valine 240 with isoleucine.
Molecular consequence: missense variant.
Genome position (GRCh38, 1-based): chr5:179,825,190, G>A. VCF-style: chr5-179825190-G-A. GRCh37 (hg19) VCF-style: chr5-179252190-G-A.
Other names: c.466G>A, p.Val156Ile (NM_001142298.2, NM_001142299.2); short protein forms V156I, V240I.
Identifiers: ClinVar variation 2048666 (VCV002048666.4), dbSNP rs768757828, ClinGen allele CA3600627.